The following is an entry in ClinVar:

NM_017841.4(SDHAF2):c.328A>T (p.Asn110Tyr)

Gene: SDHAF2 (succinate dehydrogenase complex assembly factor 2; plus strand). Cytogenetic location: 11q12.2.
Variant type: single nucleotide variant.
Coding change: c.328A>T on transcript NM_017841.4 (MANE Select); coding-DNA position 328, A replaced by T.
Protein change: p.Asn110Tyr; replaces asparagine 110 with tyrosine.
Molecular consequence: missense variant.
Genome position (GRCh38, 1-based): chr11:61,438,071, A>T. VCF-style: chr11-61438071-A-T. GRCh37 (hg19) VCF-style: chr11-61205543-A-T.
Other names: short protein forms N110Y.
Identifiers: ClinVar variation 1729821 (VCV001729821.2), dbSNP rs2540124964, ClinGen allele CA380684161.

ClinVar aggregate classification (germline): Uncertain significance (1 of 4 stars; one submission).

Conditions:
Hereditary cancer-predisposing syndrome. Also called: Neoplastic Syndromes, Hereditary; Tumor predisposition; Hereditary Cancer Syndrome; Hereditary neoplastic syndrome. Identifiers: Orphanet 140162, MedGen C0027672, MeSH D009386, MONDO:0015356.

Submission:

Ambry Genetics
Classification: Uncertain significance for Hereditary cancer-predisposing syndrome. Last evaluated: 2022-02-12. Review status: criteria provided, single submitter. Criteria: Ambry Variant Classification Scheme 2023. Collection method: clinical testing. Allele origin: germline.
Comment: The p.N110Y variant (also known as c.328A>T), located in coding exon 3 of the SDHAF2 gene, results from an A to T substitution at nucleotide position 328. The asparagine at codon 110 is replaced by tyrosine, an amino acid with dissimilar properties. This amino acid position is conserved. In addition, this alteration is predicted to be deleterious by in silico analysis. Since supporting evidence is limited at this time, the clinical significance of this alteration remains unclear.